The following is an entry in ClinVar:

NM_181332.3(NLGN4X):c.1548C>T (p.Asp516=)

Gene: NLGN4X (neuroligin 4 X-linked; minus strand). Cytogenetic location: Xp22.32.
Variant type: single nucleotide variant.
Coding change: c.1548C>T on transcript NM_181332.3 (MANE Select); coding-DNA position 1548, C replaced by T.
Protein change: p.Asp516=; no amino-acid change (aspartic acid 516 retained).
Molecular consequence: synonymous variant.
Genome position (GRCh38, 1-based): chrX:5,903,130, G>A on the plus strand (C>T on the coding strand, the complement: NLGN4X is on the minus strand). VCF-style: chrX-5903130-G-A. GRCh37 (hg19) VCF-style: chrX-5821171-G-A.
Other names: c.1548C>T, p.Asp516= (NM_001282145.2, NM_001282146.2, NM_020742.4).
Identifiers: ClinVar variation 2659898 (VCV002659898.24), dbSNP rs769290806, ClinGen allele CA10341004.
Genomic context (GRCh38, chrX:5,903,130, plus strand): 5'-AACGTACCCAGTTTTGGCGAAGTTCGTCCAGTAGGTCATGACCACGGCGCTGAGCATGAC[G>A]TCGTTCTTGGAAAAGTTACAACTGAAGAGCTCGGTGGGACCGATCATGGGGATGCCGAAG-3'
Protein context (NP_851849.1, residues 506-526): ELFSCNFSKN[Asp516=]VMLSAVVMTY

ClinVar aggregate classification (germline): Likely benign (1 of 4 stars; one submission).

Allele frequency attached by ClinVar (database versions not stated): gnomAD 0.00001; TOPMed 0.00002; gnomAD exomes 0.00004; ExAC 0.00013.
gnomAD v4.1: 43 of 1,210,557 alleles (0.0036%); highest among the groups gnomAD compares: Non-Finnish European, 0.0038%; no homozygotes.

Submission:

CeGaT Center for Human Genetics Tuebingen
Classification: Likely benign. Last evaluated: 2022-09-01. Review status: criteria provided, single submitter. Criteria: CeGaT Center For Human Genetics Tuebingen Variant Classification Criteria Version 2. Collection method: clinical testing. Allele origin: germline. Affected: yes. Observed: 1 variant allele.
Comment: NLGN4X: BP4, BP7